The following is an entry in ClinVar:

ClinVar aggregate classification (germline): Benign/Likely benign. Review status: criteria provided, multiple submitters, no conflicts (2 of 4 stars). 7 submissions from 6 submitters: Benign (2); Likely benign (4). 1 of the submissions does not count toward it. Last evaluated 2026-07-01.

Conditions:
MYH3-related disorder. Also called: MYH3-Related Disorders; MYH3-related condition. Identifiers: MedGen CN239329.
Freeman-Sheldon syndrome (DA2A). Also called: Arthrogryposis, distal, type 2A (Freeman-Sheldon); CRANIOCARPOTARSAL DYSPLASIA; CRANIOCARPOTARSAL DYSTROPHY; WHISTLING FACE-WINDMILL VANE HAND SYNDROME. Identifiers: Orphanet 2053, MedGen C0265224, MONDO:0008675, OMIM 193700.
Distal arthrogryposis type 2B1 (DA2B1). Also called: Arthrogryposis multiplex congenita distal type II with craniofacial abnormalities. Identifiers: Orphanet 1147, MedGen C5193014, MONDO:0020820, OMIM 601680.

Allele frequency attached by ClinVar (database versions not stated): TOPMed 0.00111; ESP Exome Variant Server 0.00123; 1000 Genomes Project 30x 0.00125; 1000 Genomes Project 0.00140; gnomAD 0.00252.
gnomAD v4.1: 2,944 of 1,613,932 alleles (0.18%); highest among the groups gnomAD compares: Non-Finnish European, 0.18%; 10 homozygotes.

Submissions (7):

CeGaT Center for Human Genetics Tuebingen
Classification: Likely benign. Last evaluated: 2026-07-01. Review status: criteria provided, single submitter. Criteria: CeGaT Center For Human Genetics Tuebingen Variant Classification Criteria Version 2. Collection method: clinical testing. Allele origin: germline. Affected: yes. Observed: 5 variant alleles.
Comment: MYH3: BP4, BP7

Labcorp Genetics (formerly Invitae), Labcorp
Classification: Benign. Last evaluated: 2026-01-14. Review status: criteria provided, single submitter. Criteria: Invitae Variant Classification Sherloc (09022015). Collection method: clinical testing. Allele origin: germline.

Blueprint Genetics
Classification: Likely benign. Last evaluated: 2024-11-04. Review status: criteria provided, single submitter. Criteria: ACMG Guidelines, 2015. Collection method: clinical testing. Allele origin: germline.

GeneDx
Classification: Likely benign. Last evaluated: 2019-07-31. Review status: criteria provided, single submitter. Criteria: GeneDx Variant Classification Process June 2021. Collection method: clinical testing. Allele origin: germline. Affected: yes.

Illumina Laboratory Services, Illumina
Classification: Likely benign for Distal arthrogryposis type 2B1. Last evaluated: 2018-01-13. Review status: criteria provided, single submitter. Criteria: ICSL Variant Classification Criteria 13 December 2019. Collection method: clinical testing. Allele origin: germline.
Comment: This variant was observed in the ICSL laboratory as part of a predisposition screen in an ostensibly healthy population. It had not been previously curated by ICSL or reported in the Human Gene Mutation Database (HGMD: prior to June 1st, 2018), and was therefore a candidate for classification through an automated scoring system. Utilizing variant allele frequency, disease prevalence and penetrance estimates, and inheritance mode, an automated score was calculated to assess if this variant is too frequent to cause the disease. Based on the score and internal cut-off values, a variant classified as likely benign is not then subjected to further curation. The score for this variant resulted in a classification of likely benign for this disease.

Illumina Laboratory Services, Illumina
Classification: Benign for Freeman-Sheldon syndrome. Last evaluated: 2018-01-13. Review status: criteria provided, single submitter. Criteria: ICSL Variant Classification Criteria 13 December 2019. Collection method: clinical testing. Allele origin: germline.
Comment: This variant was observed in the ICSL laboratory as part of a predisposition screen in an ostensibly healthy population. It had not been previously curated by ICSL or reported in the Human Gene Mutation Database (HGMD: prior to June 1st, 2018), and was therefore a candidate for classification through an automated scoring system. Utilizing variant allele frequency, disease prevalence and penetrance estimates, and inheritance mode, an automated score was calculated to assess if this variant is too frequent to cause the disease. Based on the score and internal cut-off values, a variant classified as benign is not then subjected to further curation. The score for this variant resulted in a classification of benign for this disease.

PreventionGenetics, part of Exact Sciences
Classification: Likely benign for MYH3-related condition. Last evaluated: 2019-06-26. Review status: no assertion criteria provided. Collection method: clinical testing. Allele origin: germline. Not counted in ClinVar's aggregate classification.
Comment: This variant is classified as likely benign based on ACMG/AMP sequence variant interpretation guidelines (Richards et al. 2015 PMID: 25741868, with internal and published modifications).

NM_002470.4(MYH3):c.3594G>A (p.Ala1198=)

Gene: MYH3 (myosin heavy chain 3; minus strand). Cytogenetic location: 17p13.1.
Variant type: single nucleotide variant.
Coding change: c.3594G>A on transcript NM_002470.4 (MANE Select); coding-DNA position 3594, G replaced by A.
Protein change: p.Ala1198=; no amino-acid change (alanine 1198 retained).
Molecular consequence: synonymous variant.
Genome position (GRCh38, 1-based): chr17:10,638,178, C>T on the plus strand (G>A on the coding strand, the complement: MYH3 is on the minus strand). VCF-style: chr17-10638178-C-T. GRCh37 (hg19) VCF-style: chr17-10541495-C-T.
Identifiers: ClinVar variation 321735 (VCV000321735.44), dbSNP rs139978727, ClinGen allele CA8392467.